The following is an entry in ClinVar:

NM_013432.5(TONSL):c.815G>A (p.Gly272Asp)

Gene: TONSL (tonsoku like, DNA repair protein; minus strand). Cytogenetic location: 8q24.3.
Variant type: single nucleotide variant.
Coding change: c.815G>A on transcript NM_013432.5 (MANE Select); coding-DNA position 815, G replaced by A.
Protein change: p.Gly272Asp; replaces glycine 272 with aspartic acid.
Molecular consequence: missense variant.
Genome position (GRCh38, 1-based): chr8:144,442,087, C>T on the plus strand (G>A on the coding strand, the complement: TONSL is on the minus strand). VCF-style: chr8-144442087-C-T. GRCh37 (hg19) VCF-style: chr8-145667470-C-T.
Other names: short protein forms G272D.
Identifiers: ClinVar variation 1507450 (VCV001507450.8), dbSNP rs767283288, ClinGen allele CA372675103.

ClinVar aggregate classification (germline): Uncertain significance (1 of 4 stars; one submission).

Submission:

Labcorp Genetics (formerly Invitae), Labcorp
Classification: Uncertain significance. Last evaluated: 2022-02-10. Review status: criteria provided, single submitter. Criteria: Invitae Variant Classification Sherloc (09022015). Collection method: clinical testing. Allele origin: germline.
Comment: In summary, the available evidence is currently insufficient to determine the role of this variant in disease. Therefore, it has been classified as a Variant of Uncertain Significance. Algorithms developed to predict the effect of missense changes on protein structure and function are either unavailable or do not agree on the potential impact of this missense change (SIFT: "Tolerated"; PolyPhen-2: "Probably Damaging"; Align-GVGD: "Class C0"). This variant has not been reported in the literature in individuals affected with TONSL-related conditions. This variant is not present in population databases (gnomAD no frequency). This sequence change replaces glycine, which is neutral and non-polar, with aspartic acid, which is acidic and polar, at codon 272 of the TONSL protein (p.Gly272Asp).